The following is an entry in ClinVar:

ClinVar aggregate classification (germline): Benign (0 of 4 stars; one submission).

Conditions:
TOP6BL-related disorder. Also called: TOP6BL-related condition.

Submission:

PreventionGenetics, part of Exact Sciences
Classification: Benign for TOP6BL-related condition. Last evaluated: 2019-11-01. Review status: no assertion criteria provided. Collection method: clinical testing. Allele origin: germline.
Comment: This variant is classified as benign based on ACMG/AMP sequence variant interpretation guidelines (Richards et al. 2015 PMID: 25741868, with internal and published modifications).

NM_001302084.2(TOP6BL):c.-127CGG[9]

Genes: FRA11A (fragile site, folic acid type, rare, fra(11)(q13.3); plus strand), TOP6BL (TOP6B like initiator of meiotic double strand breaks; plus strand), LOC130006135 (ATAC-STARR-seq lymphoblastoid silent region 3601; plus strand). Cytogenetic location: 11q13.2.
Variant type: Microsatellite.
Coding change: c.-127CGG[9] on transcript NM_001302084.2 (MANE Select); nine copies in a row of the 3-base unit CGG starting at c.-127; the reference has eight copies in a row; one copy, 3 bases duplicated.
Molecular consequence: 5 prime UTR variant.
Genome position (GRCh38, 1-based): chr11:66,744,843-66,744,845, CGG duplicated; duplicating any 3 consecutive bases within chr11:66,744,820-66,744,845 gives the same sequence; the position shown is the placement nearest the transcript's 3' end. VCF-style (leftmost placement, unchanged base first): chr11-66744819-G-GGGC. GRCh37 (hg19) VCF-style: chr11-66512290-G-GGGC.
Other names: c.-68_-66CGG[9] (NM_024650.4); c.101_103dupCGG (NM_024650.3).
Identifiers: ClinVar variation 3058840 (VCV003058840.2), dbSNP rs567536854, ClinGen allele CA6129802.